The following is an entry in ClinVar:

NM_001278512.2(AP3B2):c.301G>A (p.Ala101Thr)

Genes: AP3B2 (adaptor related protein complex 3 subunit beta 2; minus strand), CPEB1-AS1 (CPEB1 antisense RNA 1; plus strand). Cytogenetic location: 15q25.2.
Variant type: single nucleotide variant.
Coding change: c.301G>A on transcript NM_001278512.2 (MANE Select); coding-DNA position 301, G replaced by A.
Protein change: p.Ala101Thr; replaces alanine 101 with threonine.
Molecular consequence: missense variant. On other transcripts: intron variant (1).
Genome position (GRCh38, 1-based): chr15:82,688,795, C>T on the plus strand (G>A on the coding strand, the complement: AP3B2 is on the minus strand). VCF-style: chr15-82688795-C-T. GRCh37 (hg19) VCF-style: chr15-83357547-C-T.
Other names: c.301G>A, p.Ala101Thr (NM_001348440.2, NM_004644.5); c.264+363G>A (NM_001278511.2); short protein forms A101T.
Identifiers: ClinVar variation 2001380 (VCV002001380.4), dbSNP rs757303511, ClinGen allele CA7700532.

ClinVar aggregate classification (germline): Uncertain significance (1 of 4 stars; one submission).

Allele frequency attached by ClinVar (database versions not stated): gnomAD exomes below 0.00001; ExAC 0.00001.
gnomAD v4.1: 2 of 1,612,962 alleles (0.00012%); highest among the groups gnomAD compares: Non-Finnish European, 0.00017%; no homozygotes.

Submission:

Labcorp Genetics (formerly Invitae), Labcorp
Classification: Uncertain significance. Last evaluated: 2022-08-20. Review status: criteria provided, single submitter. Criteria: Invitae Variant Classification Sherloc (09022015). Collection method: clinical testing. Allele origin: germline.
Comment: In summary, the available evidence is currently insufficient to determine the role of this variant in disease. Therefore, it has been classified as a Variant of Uncertain Significance. Algorithms developed to predict the effect of missense changes on protein structure and function are either unavailable or do not agree on the potential impact of this missense change (SIFT: "Deleterious"; PolyPhen-2: "Probably Damaging"; Align-GVGD: "Class C0"). This variant has not been reported in the literature in individuals affected with AP3B2-related conditions. The frequency data for this variant in the population databases is considered unreliable, as metrics indicate poor data quality at this position in the gnomAD database. This sequence change replaces alanine, which is neutral and non-polar, with threonine, which is neutral and polar, at codon 101 of the AP3B2 protein (p.Ala101Thr).